The following is an entry in ClinVar:

NM_001080414.4(CCDC88C):c.3437del (p.Lys1146fs)

Gene: CCDC88C (coiled-coil and HOOK domain protein 88C; minus strand). Cytogenetic location: 14q32.11.
Variant type: Deletion.
Coding change: c.3437del on transcript NM_001080414.4 (MANE Select); coding-DNA position 3437, one base deleted (A; older notation c.3437delA).
Protein change: p.Lys1146fs; shifts the reading frame from lysine 1146.
Molecular consequence: frameshift variant. On other transcripts: non-coding transcript variant (2).
Genome position (GRCh38, 1-based): chr14:91,303,899, T deleted on the plus strand (A on the coding strand, the reverse complement: CCDC88C is on the minus strand); the first of 2 consecutive T bases (chr14:91,303,899-91,303,900); deleting either gives the same sequence. VCF-style (leftmost placement, unchanged base first): chr14-91303898-CT-C. GRCh37 (hg19) VCF-style: chr14-91770242-CT-C.
Other names: short protein forms K1146fs.
Identifiers: ClinVar variation 5014561 (VCV005014561.1).

ClinVar aggregate classification (germline): Pathogenic (1 of 4 stars; one submission).

Conditions:
Hydrocephalus, nonsyndromic, autosomal recessive 1 (HYC1). Also called: Hydrocephalus, nonsyndromic, autosomal recessive; Congenital hydrocephalus 1. Identifiers: Orphanet 2185, MedGen C3887608, MONDO:0009360, OMIM 236600.

Submission:

Myriad Genetics, Inc.
Classification: Pathogenic for Hydrocephalus, nonsyndromic, autosomal recessive 1. Last evaluated: 2025-06-06. Review status: criteria provided, single submitter. Criteria: Myriad Autosomal Dominant, Autosomal Recessive and X-Linked Classification Criteria (2023). Collection method: clinical testing. Allele origin: unknown.
Comment: NM_001080414.3(CCDC88C):c.3437delA(K1146Rfs*50) is expected to be pathogenic in the context of congenital hydrocephalus, CCDC88C-related. This variant is predicted to lead to an abnormal or absent protein product due to the creation of a premature termination codon in CCDC88C, a gene where loss-of-function variants are known to be pathogenic. Please note: this variant was assessed in the context of healthy population screening.